The following is an entry in ClinVar:

NM_005379.4(MYO1A):c.2872A>G (p.Ser958Gly)

Gene: MYO1A (myosin IA; minus strand). Cytogenetic location: 12q13.3.
Variant type: single nucleotide variant.
Coding change: c.2872A>G on transcript NM_005379.4 (MANE Select); coding-DNA position 2872, A replaced by G.
Protein change: p.Ser958Gly; replaces serine 958 with glycine.
Molecular consequence: missense variant.
Genome position (GRCh38, 1-based): chr12:57,029,440, T>C on the plus strand (A>G on the coding strand, the complement: MYO1A is on the minus strand). VCF-style: chr12-57029440-T-C. GRCh37 (hg19) VCF-style: chr12-57423224-T-C.
Other names: c.2872A>G, p.Ser958Gly (NM_001256041.2); short protein forms S958G.
Identifiers: ClinVar variation 164579 (VCV000164579.11), dbSNP rs184810732, ClinGen allele CA177289.

ClinVar aggregate classification (germline): Uncertain significance. Review status: criteria provided, multiple submitters, no conflicts (2 of 4 stars). 3 submissions from 3 submitters: Uncertain significance (2). 1 of the submissions does not count toward it. Last evaluated 2016-12-06.

Conditions:
MYO1A-related disorder. Also called: MYO1A-related condition.

Allele frequency attached by ClinVar (database versions not stated): gnomAD exomes 0.00007 and 0.00026; gnomAD 0.00009 and 0.00012; TOPMed 0.00010; ExAC 0.00022; 1000 Genomes Project 30x 0.00078; 1000 Genomes Project 0.00100.
gnomAD v4.1: 143 of 1,613,920 alleles (0.0089%); highest among the groups gnomAD compares: East Asian, 0.14%; 1 homozygote.

Submissions (5):

Eurofins Ntd Llc (ga)
Classification: Uncertain significance. Last evaluated: 2016-12-06. Review status: criteria provided, single submitter. Criteria: EGL Classification Definitions 2015. Collection method: clinical testing. Allele origin: germline. Observed: 1 variant allele, 1 heterozygote.

Laboratory for Molecular Medicine, Mass General Brigham Personalized Medicine
Classification: Uncertain significance. Last evaluated: 2013-04-10. Review status: criteria provided, single submitter. Criteria: LMM Criteria. Collection method: clinical testing. Allele origin: germline. Observed: 1 variant allele.
Comment: Variant classified as Uncertain Significance - Favor Benign. The Ser958Gly varia nt in MYO1A has not been reported in individuals affected with hearing loss, but has been identified in 3/340 (0.9%) of Chinese chromosomes by the 1000 Genomes Project (dbSNP rs184810732). Although this variant has been seen in the general population, the sample size is too small to rule out a pathogenic role. Computa tional analyses (biochemical amino acid properties, conservation, AlignGVGD, Pol yPhen2, and SIFT) suggest that the Ser958Gly variant may not impact the protein, though this information is not predictive enough to rule out pathogenicity. In summary, the clinical significance of this variant cannot be determined with cer tainty; however, based upon its presence in the 1000 Genome database and the com putational assessment, we lean towards a more likely benign role.

PreventionGenetics, part of Exact Sciences
Classification: Likely benign for MYO1A-related condition. Last evaluated: 2019-03-28. Review status: no assertion criteria provided. Collection method: clinical testing. Allele origin: germline. Not counted in ClinVar's aggregate classification.
Comment: This variant is classified as likely benign based on ACMG/AMP sequence variant interpretation guidelines (Richards et al. 2015 PMID: 25741868, with internal and published modifications).

Dr. Peter K. Rogan Lab, Western University
No classification provided (evidence only). Condition: Familial cancer of breast. Review status: no classification provided. Collection method: in vitro. Allele origin: not applicable. Functional consequence: retained intron. Not counted in ClinVar's aggregate classification.

Dr. Peter K. Rogan Lab, Western University
No classification provided (evidence only). Condition: Gastric cancer. Review status: no classification provided. Collection method: in vitro. Allele origin: not applicable. Functional consequence: retained intron. Not counted in ClinVar's aggregate classification.